The following is an entry in ClinVar:

ClinVar aggregate classification (germline): Uncertain significance (1 of 4 stars; one submission).

Allele frequency attached by ClinVar (database versions not stated): gnomAD 0.00001; TOPMed 0.00001.
gnomAD v4.1: 1 of 1,612,886 alleles (0.000062%); highest among the groups gnomAD compares: African/African-American, 0.0013%; no homozygotes.

Submission:

Labcorp Genetics (formerly Invitae), Labcorp
Classification: Uncertain significance. Last evaluated: 2024-03-04. Review status: criteria provided, single submitter. Criteria: Invitae Variant Classification Sherloc (09022015). Collection method: clinical testing. Allele origin: germline.
Comment: This sequence change replaces lysine, which is basic and polar, with asparagine, which is neutral and polar, at codon 248 of the EDNRB protein (p.Lys248Asn). This variant is not present in population databases (gnomAD no frequency). This variant has not been reported in the literature in individuals affected with EDNRB-related conditions. ClinVar contains an entry for this variant (Variation ID: 1924900). Algorithms developed to predict the effect of missense changes on protein structure and function output the following: SIFT: "Not Available"; PolyPhen-2: "Benign"; Align-GVGD: "Not Available". The asparagine amino acid residue is found in multiple mammalian species, which suggests that this missense change does not adversely affect protein function. In summary, the available evidence is currently insufficient to determine the role of this variant in disease. Therefore, it has been classified as a Variant of Uncertain Significance.

NM_001122659.3(EDNRB):c.744A>T (p.Lys248Asn)

Genes: EDNRB (endothelin receptor type B; minus strand), EDNRB-AS1 (EDNRB antisense RNA 1; plus strand). Cytogenetic location: 13q22.3.
Variant type: single nucleotide variant.
Coding change: c.744A>T on transcript NM_001122659.3 (MANE Select); coding-DNA position 744, A replaced by T.
Protein change: p.Lys248Asn; replaces lysine 248 with asparagine.
Molecular consequence: missense variant.
Genome position (GRCh38, 1-based): chr13:77,903,213, T>A on the plus strand (A>T on the coding strand, the complement: EDNRB is on the minus strand). VCF-style: chr13-77903213-T-A. GRCh37 (hg19) VCF-style: chr13-78477348-T-A.
Other names: c.744A>T, p.Lys248Asn (NM_000115.5, NM_003991.4); c.1014A>T, p.Lys338Asn (NM_001201397.2); short protein forms K248N, K338N.
Identifiers: ClinVar variation 1924900 (VCV001924900.5), dbSNP rs758280131, ClinGen allele CA388450645.